The following is an entry in ClinVar:

ClinVar aggregate classification (germline): Uncertain significance. Review status: criteria provided, single submitter (1 of 4 stars). 2 submissions from 2 submitters: Uncertain significance (1). 1 of the submissions does not count toward it. Last evaluated 2025-08-12.

Conditions:
SDK2-related disorder. Also called: SDK2-related condition.

Allele frequency attached by ClinVar (database versions not stated): ESP Exome Variant Server 0.00101; TOPMed 0.00110; gnomAD 0.00114; ExAC 0.00130.
gnomAD v4.1: 1,633 of 1,557,398 alleles (0.1%); highest among the groups gnomAD compares: Middle Eastern, 0.27%; 1 homozygote.

Submissions (2):

Ambry Genetics
Classification: Uncertain significance. Last evaluated: 2025-08-12. Review status: criteria provided, single submitter. Criteria: Ambry Variant Classification Scheme 2023. Collection method: clinical testing. Allele origin: germline.

PreventionGenetics, part of Exact Sciences
Classification: Likely benign for SDK2-related condition. Last evaluated: 2023-05-05. Review status: no assertion criteria provided. Collection method: clinical testing. Allele origin: germline. Not counted in ClinVar's aggregate classification.
Comment: This variant is classified as likely benign based on ACMG/AMP sequence variant interpretation guidelines (Richards et al. 2015 PMID: 25741868, with internal and published modifications).

NM_001144952.2(SDK2):c.2821C>T (p.Arg941Cys)

Gene: SDK2 (sidekick cell adhesion molecule 2; minus strand). Cytogenetic location: 17q25.1.
Variant type: single nucleotide variant.
Coding change: c.2821C>T on transcript NM_001144952.2 (MANE Select); coding-DNA position 2821, C replaced by T.
Protein change: p.Arg941Cys; replaces arginine 941 with cysteine.
Molecular consequence: missense variant.
Genome position (GRCh38, 1-based): chr17:73,401,170, G>A on the plus strand (C>T on the coding strand, the complement: SDK2 is on the minus strand). VCF-style: chr17-73401170-G-A. GRCh37 (hg19) VCF-style: chr17-71397309-G-A.
Other names: short protein forms R941C.
Identifiers: ClinVar variation 2277012 (VCV002277012.5), dbSNP rs143280778, ClinGen allele CA8743337.